The following is an entry in ClinVar:

ClinVar aggregate classification (germline): Uncertain significance (1 of 4 stars; one submission).

Submission:

GeneDx
Classification: Uncertain significance. Last evaluated: 2026-02-23. Review status: criteria provided, single submitter. Criteria: GeneDx Variant Classification Process June 2021. Collection method: clinical testing. Allele origin: germline.
Comment: Not observed at significant frequency in large population cohorts (gnomAD); In silico analysis suggests that this missense variant does not alter protein structure/function; Has not been previously published as pathogenic or benign to our knowledge

NM_001377142.1(PLCB4):c.1651C>G (p.Leu551Val)

Gene: PLCB4 (phospholipase C beta 4; plus strand). Cytogenetic location: 20p12.2.
Variant type: single nucleotide variant.
Coding change: c.1651C>G on transcript NM_001377142.1 (MANE Select); coding-DNA position 1651, C replaced by G.
Protein change: p.Leu551Val; replaces leucine 551 with valine.
Molecular consequence: missense variant.
Genome position (GRCh38, 1-based): chr20:9,407,920, C>G. VCF-style: chr20-9407920-C-G. GRCh37 (hg19) VCF-style: chr20-9388567-C-G.
Other names: c.1615C>G, p.Leu539Val (NM_000933.4, NM_001377134.2, NM_001377135.1 and 2 more transcripts); c.1651C>G, p.Leu551Val (NM_001172646.2, NM_001377143.1); short protein forms L539V, L551V.
Identifiers: ClinVar variation 5010016 (VCV005010016.1).